The following is an entry in ClinVar:

NM_000182.5(HADHA):c.2213C>T (p.Ala738Val)

Genes: HADHA (hydroxyacyl-CoA dehydrogenase trifunctional multienzyme complex subunit alpha; minus strand), GAREM2 (GRB2 associated regulator of MAPK1 subtype 2; plus strand). Cytogenetic location: 2p23.3.
Variant type: single nucleotide variant.
Coding change: c.2213C>T on transcript NM_000182.5 (MANE Select); coding-DNA position 2213, C replaced by T.
Protein change: p.Ala738Val; replaces alanine 738 with valine.
Molecular consequence: missense variant.
Genome position (GRCh38, 1-based): chr2:26,191,329, G>A on the plus strand (C>T on the coding strand, the complement: HADHA is on the minus strand). VCF-style: chr2-26191329-G-A. GRCh37 (hg19) VCF-style: chr2-26414198-G-A.
Other names: short protein forms A738V.
Identifiers: ClinVar variation 3752406 (VCV003752406.2).

ClinVar aggregate classification (germline): Uncertain significance (1 of 4 stars; one submission).

Conditions:
Mitochondrial trifunctional protein deficiency. Identifiers: Orphanet 746, MedGen C1969443, MONDO:0012172.
Long chain 3-hydroxyacyl-CoA dehydrogenase deficiency. Also called: Deficiency of long-chain 3-hydroxyacyl-coenzyme A dehydrogenase; LCHAD Deficiency. Identifiers: Orphanet 5, MedGen C3711645, MONDO:0012173, OMIM 609016.

gnomAD v4.1: 1 of 1,614,048 alleles (0.000062%); highest among the groups gnomAD compares: South Asian, 0.0011%; no homozygotes.

Submission:

Labcorp Genetics (formerly Invitae), Labcorp
Classification: Uncertain significance for Mitochondrial trifunctional protein deficiency; Long chain 3-hydroxyacyl-CoA dehydrogenase deficiency. Last evaluated: 2024-10-13. Review status: criteria provided, single submitter. Criteria: Invitae Variant Classification Sherloc (09022015). Collection method: clinical testing. Allele origin: germline.
Comment: This sequence change replaces alanine, which is neutral and non-polar, with valine, which is neutral and non-polar, at codon 738 of the HADHA protein (p.Ala738Val). This variant is not present in population databases (gnomAD no frequency). This variant has not been reported in the literature in individuals affected with HADHA-related conditions. Invitae Evidence Modeling of protein sequence and biophysical properties (such as structural, functional, and spatial information, amino acid conservation, physicochemical variation, residue mobility, and thermodynamic stability) indicates that this missense variant is not expected to disrupt HADHA protein function with a negative predictive value of 95%. In summary, the available evidence is currently insufficient to determine the role of this variant in disease. Therefore, it has been classified as a Variant of Uncertain Significance.